The following is an entry in ClinVar:

NM_000052.7(ATP7A):c.2464A>G (p.Ile822Val)

Gene: ATP7A (ATPase copper transporting alpha; plus strand). Cytogenetic location: Xq21.1.
Variant type: single nucleotide variant.
Coding change: c.2464A>G on transcript NM_000052.7 (MANE Select); coding-DNA position 2464, A replaced by G.
Protein change: p.Ile822Val; replaces isoleucine 822 with valine.
Molecular consequence: missense variant.
Genome position (GRCh38, 1-based): chrX:78,014,719, A>G. VCF-style: chrX-78014719-A-G. GRCh37 (hg19) VCF-style: chrX-77270216-A-G.
Other names: c.2230A>G, p.Ile744Val (NM_001282224.2); short protein forms I822V, I744V.
Identifiers: ClinVar variation 1791669 (VCV001791669.7), dbSNP rs1050354930, ClinGen allele CA331098158.

ClinVar aggregate classification (germline): Conflicting classifications of pathogenicity. Review status: criteria provided, conflicting classifications (1 of 4 stars). 2 submissions from 2 submitters: Uncertain significance (1); Likely benign (1). Last evaluated 2024-11-10.

Conditions:
Inborn genetic diseases. Identifiers: MedGen C0950123, MeSH D030342.
Cutis laxa, X-linked (OHS). Also called: EDS IX; Occipital horn syndrome. Identifiers: Orphanet 198, MedGen C0268353, MONDO:0010572, OMIM 304150.
Menkes kinky-hair syndrome (MNK). Also called: Classic Menkes Disease; Copper transport disease; Menkes Disease. Identifiers: Orphanet 565, MedGen C0022716, MONDO:0010651, OMIM 309400.
X-linked distal spinal muscular atrophy type 3. Also called: NEURONOPATHY, DISTAL HEREDITARY MOTOR, X-LINKED; NEUROPATHY, DISTAL HEREDITARY MOTOR, X-LINKED; ATP7A-Related Distal Motor Neuropathy; SPINAL MUSCULAR ATROPHY, DISTAL, X-LINKED RECESSIVE. Identifiers: Orphanet 139557, MedGen C1845359, MONDO:0010338, OMIM 300489.

Allele frequency attached by ClinVar (database versions not stated): gnomAD exomes below 0.00001.
gnomAD v4.1: 4 of 1,206,398 alleles (0.00033%); highest among the groups gnomAD compares: Non-Finnish European, 0.00045%; no homozygotes.

Submissions (2):

Labcorp Genetics (formerly Invitae), Labcorp
Classification: Likely benign for X-linked distal spinal muscular atrophy type 3; Cutis laxa, X-linked; Menkes kinky-hair syndrome. Last evaluated: 2024-11-10. Review status: criteria provided, single submitter. Criteria: Invitae Variant Classification Sherloc (09022015). Collection method: clinical testing. Allele origin: germline.

Ambry Genetics
Classification: Uncertain significance for Inborn genetic diseases. Last evaluated: 2021-11-09. Review status: criteria provided, single submitter. Criteria: Ambry Variant Classification Scheme 2023. Collection method: clinical testing. Allele origin: germline.
Comment: The p.I822V variant (also known as c.2464A>G), located in coding exon 10 of the ATP7A gene, results from an A to G substitution at nucleotide position 2464. The isoleucine at codon 822 is replaced by valine, an amino acid with highly similar properties. This amino acid position is conserved. In addition, this alteration is predicted to be tolerated by in silico analysis. Based on data from gnomAD, the G allele has an overall frequency of 0.0005%% (1/182480) total alleles studied, with 1 hemizygote observed. The highest observed frequency was 0.001% (1/81716) of non-Finnish European alleles. Since supporting evidence is limited at this time, the clinical significance of this alteration remains unclear.